The following is an entry in ClinVar:

ClinVar aggregate classification (germline): Likely pathogenic (1 of 4 stars; one submission).

Conditions:
Immunodeficiency, common variable, 7. Identifiers: Orphanet 1572, Orphanet 696894, MedGen C3542922, MONDO:0013862, OMIM 614699.

Submission:

Labcorp Genetics (formerly Invitae), Labcorp
Classification: Likely pathogenic for Immunodeficiency, common variable, 7. Last evaluated: 2022-07-27. Review status: criteria provided, single submitter. Criteria: Invitae Variant Classification Sherloc (09022015). Collection method: clinical testing. Allele origin: germline.
Comment: This variant has not been reported in the literature in individuals affected with CR2-related conditions. In summary, the currently available evidence indicates that the variant is pathogenic, but additional data are needed to prove that conclusively. Therefore, this variant has been classified as Likely Pathogenic. Algorithms developed to predict the effect of sequence changes on RNA splicing suggest that this variant may disrupt the consensus splice site. This variant is not present in population databases (gnomAD no frequency). This sequence change affects a donor splice site in intron 12 of the CR2 gene. It is expected to disrupt RNA splicing. Variants that disrupt the donor or acceptor splice site typically lead to a loss of protein function (PMID: 16199547), and loss-of-function variants in CR2 are known to be pathogenic (PMID: 26325596, 28499783).

Literature cited by the submitters: PubMed 16199547; PubMed 26325596; PubMed 28499783.

NM_001006658.3(CR2):c.2240+1G>A

Gene: CR2 (complement C3d receptor 2; plus strand). Cytogenetic location: 1q32.2.
Variant type: single nucleotide variant.
Coding change: c.2240+1G>A on transcript NM_001006658.3 (MANE Select); the canonical splice donor site of the intron after coding-DNA position 2240, G replaced by A.
Molecular consequence: splice donor variant.
Genome position (GRCh38, 1-based): chr1:207,473,886, G>A. VCF-style: chr1-207473886-G-A. GRCh37 (hg19) VCF-style: chr1-207647231-G-A.
Other names: c.2063+1G>A (NM_001877.5).
Identifiers: ClinVar variation 2019950 (VCV002019950.4), dbSNP rs2527224555, ClinGen allele CA344536629.